The following is an entry in ClinVar:

ClinVar aggregate classification (germline): Conflicting classifications of pathogenicity. Review status: criteria provided, conflicting classifications (1 of 4 stars). 8 submissions from 8 submitters: Uncertain significance (6); Benign (2). Last evaluated 2026-07-08.

Conditions:
Vesicoureteral reflux 8 (VUR8). Identifiers: Orphanet 289365, MedGen C4014831, MONDO:0014422, OMIM 615963.
Ehlers-Danlos syndrome due to tenascin-X deficiency (EDSCLL1). Also called: EHLERS-DANLOS SYNDROME, CLASSIC-LIKE; Ehlers-Danlos syndrome, classic-like, 1; TNXB-Related Classical-Like Ehlers-Danlos Syndrome; EDS DUE TO TNX DEFICIENCY; TNX DEFICIENCY. Identifiers: Orphanet 230839, MedGen C1848029, MONDO:0011670, OMIM 606408.
Cardiovascular phenotype. Identifiers: MedGen CN230736.

Allele frequency attached by ClinVar (database versions not stated): 1000 Genomes Project 30x 0.00016; TOPMed 0.00017; 1000 Genomes Project 0.00020; ESP Exome Variant Server 0.00033; gnomAD 0.00058.
gnomAD v4.1: 893 of 1,612,052 alleles (0.055%); highest among the groups gnomAD compares: Non-Finnish European, 0.04%; 1 homozygote.

Submissions (8):

GeneDx
Classification: Uncertain significance. Last evaluated: 2026-07-08. Review status: criteria provided, single submitter. Criteria: GeneDx Variant Classification Process June 2021. Collection method: clinical testing. Allele origin: germline.
Comment: Has not been previously published as pathogenic or benign to our knowledge; In silico analysis supports that this missense variant has a deleterious effect on protein structure/function

Labcorp Genetics (formerly Invitae), Labcorp
Classification: Benign. Last evaluated: 2026-01-26. Review status: criteria provided, single submitter. Criteria: Invitae Variant Classification Sherloc (09022015). Collection method: clinical testing. Allele origin: germline.

Women's Health and Genetics/Laboratory Corporation of America, LabCorp
Classification: Uncertain significance. Last evaluated: 2025-11-19. Review status: criteria provided, single submitter. Criteria: LabCorp Variant Classification Summary - May 2015. Collection method: clinical testing. Allele origin: germline.
Comment: Variant summary: TNXB c.5103C>A (p.Phe1701Leu) results in a non-conservative amino acid change in the encoded protein sequence. Algorithms developed to predict the effect of missense changes on protein structure and function are either unavailable or do not agree on the potential impact of this missense change. The variant allele was found at a frequency of 0.00075 in 247790 control chromosomes (gnomAD). This frequency is not significantly higher than estimated for disease-causing variants in TNXB, allowing no conclusion about variant significance. To our knowledge, no occurrence of c.5103C>A in individuals affected with TNXB-related conditions and no experimental evidence demonstrating its impact on protein function have been reported. ClinVar contains an entry for this variant (Variation ID: 932469). Based on the evidence outlined above, the variant was classified as uncertain significance.

CeGaT Center for Human Genetics Tuebingen
Classification: Uncertain significance. Last evaluated: 2025-10-01. Review status: criteria provided, single submitter. Criteria: CeGaT Center For Human Genetics Tuebingen Variant Classification Criteria Version 2. Collection method: clinical testing. Allele origin: germline. Affected: yes. Observed: 3 variant alleles.

Daryl Scott Lab, Baylor College of Medicine
Classification: Uncertain significance for Ehlers-Danlos syndrome due to tenascin-X deficiency. Last evaluated: 2025-08-25. Review status: criteria provided, single submitter. Criteria: ACMG Guidelines, 2015. Collection method: clinical testing. Allele origin: unknown. Affected: yes. Observed: 1 heterozygote.
Comment: BP4

Ambry Genetics
Classification: Benign for Cardiovascular phenotype. Last evaluated: 2024-05-15. Review status: criteria provided, single submitter. Criteria: Ambry Variant Classification Scheme 2023. Collection method: clinical testing. Allele origin: germline.

Revvity Omics, Revvity
Classification: Uncertain significance for Vesicoureteral reflux 8. Last evaluated: 2020-10-05. Review status: criteria provided, single submitter. Criteria: ACMG Guidelines, 2015. Collection method: clinical testing. Allele origin: germline.

Breakthrough Genomics
Classification: Uncertain significance. Review status: criteria provided, single submitter. Criteria: ACMG Guidelines, 2015. Collection method: not provided. Allele origin: germline. Inheritance: Autosomal recessive inheritance. Affected: yes.

NM_001365276.2(TNXB):c.5103C>A (p.Phe1701Leu)

Gene: TNXB (tenascin XB; minus strand). Cytogenetic location: 6p21.33.
Variant type: single nucleotide variant.
Coding change: c.5103C>A on transcript NM_001365276.2 (MANE Select); coding-DNA position 5103, C replaced by A.
Protein change: p.Phe1701Leu; replaces phenylalanine 1701 with leucine.
Molecular consequence: missense variant.
Genome position (GRCh38, 1-based): chr6:32,070,302, G>T on the plus strand (C>A on the coding strand, the complement: TNXB is on the minus strand). VCF-style: chr6-32070302-G-T. GRCh37 (hg19) VCF-style: chr6-32038079-G-T.
Other names: c.5103C>A, p.Phe1701Leu (NM_019105.8); short protein forms F1701L.
Identifiers: ClinVar variation 932469 (VCV000932469.56), dbSNP rs201360247, ClinGen allele CA3734792.
Genomic context (GRCh38, chr6:32,070,302, plus strand): 5'-GCCCTCCACGGGCACCACCTGGGGCCCGTCTTTGTCCTTGAACTGGACCACAAAAGAGTC[G>T]AACTGGCCCTCAGGAACCGTCCAGGAGAGGCGCAGTGAGTCTGGGGTGGGGTCTGTCACC-3'
Protein context (NP_001352205.1, residues 1691-1711): RLSWTVPEGQ[Phe1701Leu]DSFVVQFKDK